The following is an entry in ClinVar:

NM_001360016.2(G6PD):c.1245C>T (p.Pro415=)

Gene: G6PD (glucose-6-phosphate dehydrogenase; minus strand). Cytogenetic location: Xq28.
Variant type: single nucleotide variant.
Coding change: c.1245C>T on transcript NM_001360016.2 (MANE Select); coding-DNA position 1245, C replaced by T.
Protein change: p.Pro415=; no amino-acid change (proline 415 retained).
Molecular consequence: synonymous variant.
Genome position (GRCh38, 1-based): chrX:154,532,609, G>A on the plus strand (C>T on the coding strand, the complement: G6PD is on the minus strand). VCF-style: chrX-154532609-G-A. GRCh37 (hg19) VCF-style: chrX-153760824-G-A.
Other names: c.1335C>T, p.Pro445= (NM_000402.4); c.1245C>T, p.Pro415= (NM_001042351.3); c.1245C>T (NM_001042351.2).
Identifiers: ClinVar variation 193614 (VCV000193614.16), dbSNP rs147131392, ClinGen allele CA239160.

ClinVar aggregate classification (germline): Conflicting classifications of pathogenicity. Review status: criteria provided, conflicting classifications (1 of 4 stars). 4 submissions from 4 submitters: Uncertain significance (1); Benign (1); Likely benign (1). 1 of the submissions does not count toward it. Last evaluated 2026-01-16.

Conditions:
G6PD-related disorder. Also called: G6PD-related condition.
Anemia, nonspherocytic hemolytic, due to G6PD deficiency (CNSHA1). Also called: ANEMIA, CONGENITAL, NONSPHEROCYTIC HEMOLYTIC, 1; Hemolytic anemia due to G6PD deficiency; Class I glucose-6-phosphate dehydrogenase deficiency; Favism, susceptibility to. Identifiers: Orphanet 466026, MedGen C2720289, MONDO:0010480, OMIM 300908.

Allele frequency attached by ClinVar (database versions not stated): gnomAD exomes 0.00006 and 0.00016; 1000 Genomes Project 30x 0.00021; ExAC 0.00022; 1000 Genomes Project 0.00026; gnomAD 0.00056 and 0.00062; ESP Exome Variant Server 0.00066; TOPMed 0.00080.
gnomAD v4.1: 124 of 1,211,109 alleles (0.01%); highest among the groups gnomAD compares: African/African-American, 0.18%; no homozygotes.

Submissions (4):

Labcorp Genetics (formerly Invitae), Labcorp
Classification: Benign for Anemia, nonspherocytic hemolytic, due to G6PD deficiency. Last evaluated: 2026-01-16. Review status: criteria provided, single submitter. Criteria: Invitae Variant Classification Sherloc (09022015). Collection method: clinical testing. Allele origin: germline.

Blueprint Genetics
Classification: Likely benign. Last evaluated: 2023-08-21. Review status: criteria provided, single submitter. Criteria: ACMG Guidelines, 2015. Collection method: clinical testing. Allele origin: germline.

Eurofins Ntd Llc (ga)
Classification: Uncertain significance. Last evaluated: 2015-04-14. Review status: criteria provided, single submitter. Criteria: EGL Classification Definitions 2015. Collection method: clinical testing. Allele origin: germline. Observed: 1 variant allele, 1 heterozygote.

PreventionGenetics, part of Exact Sciences
Classification: Likely benign for G6PD-related condition. Last evaluated: 2019-11-11. Review status: no assertion criteria provided. Collection method: clinical testing. Allele origin: germline. Not counted in ClinVar's aggregate classification.
Comment: This variant is classified as likely benign based on ACMG/AMP sequence variant interpretation guidelines (Richards et al. 2015 PMID: 25741868, with internal and published modifications).